The following is an entry in ClinVar:

NM_000384.3(APOB):c.5016T>G (p.Asn1672Lys)

Gene: APOB (apolipoprotein B; minus strand). Cytogenetic location: 2p24.1.
Variant type: single nucleotide variant.
Coding change: c.5016T>G on transcript NM_000384.3 (MANE Select); coding-DNA position 5016, T replaced by G.
Protein change: p.Asn1672Lys; replaces asparagine 1672 with lysine.
Molecular consequence: missense variant.
Genome position (GRCh38, 1-based): chr2:21,011,852, A>C on the plus strand (T>G on the coding strand, the complement: APOB is on the minus strand). VCF-style: chr2-21011852-A-C. GRCh37 (hg19) VCF-style: chr2-21234724-A-C.
Other names: short protein forms N1672K.
Identifiers: ClinVar variation 3900541 (VCV003900541.2).

ClinVar aggregate classification (germline): Uncertain significance. Review status: criteria provided, multiple submitters, no conflicts (2 of 4 stars). 2 submissions from 2 submitters: Uncertain significance (2). Last evaluated 2025-05-14.

Conditions:
Cardiovascular phenotype. Identifiers: MedGen CN230736.

gnomAD v4.1: 1 of 1,613,874 alleles (0.000062%); highest among the groups gnomAD compares: Non-Finnish European, 0.000085%; no homozygotes.

Submissions (2):

Ambry Genetics
Classification: Uncertain significance for Cardiovascular phenotype. Last evaluated: 2025-05-14. Review status: criteria provided, single submitter. Criteria: Ambry Variant Classification Scheme 2023. Collection method: clinical testing. Allele origin: germline.
Comment: The p.N1672K variant (also known as c.5016T>G), located in coding exon 26 of the APOB gene, results from a T to G substitution at nucleotide position 5016. The asparagine at codon 1672 is replaced by lysine, an amino acid with similar properties. This amino acid position is conserved. In addition, this alteration is predicted to be tolerated by in silico analysis. Based on the available evidence, the clinical significance of this variant remains unclear.

GeneDx
Classification: Uncertain significance. Last evaluated: 2024-11-25. Review status: criteria provided, single submitter. Criteria: GeneDx Variant Classification Process June 2021. Collection method: clinical testing. Allele origin: germline. Affected: yes.
Comment: Not observed at significant frequency in large population cohorts (gnomAD); In silico analysis supports that this missense variant has a deleterious effect on protein structure/function; Has not been previously published as pathogenic or benign to our knowledge